The following is an entry in ClinVar:

ClinVar aggregate classification (germline): Conflicting classifications of pathogenicity. Review status: criteria provided, conflicting classifications (1 of 4 stars). 2 submissions from 2 submitters: Uncertain significance (1); Likely benign (1). Last evaluated 2025-07-21.

Conditions:
Familial hypobetalipoproteinemia 1. Also called: APOB-Related Familial Hypobetalipoproteinemia; Hypobetalipoproteinemia, normotriglyceridemic; Acanthocytosis with hypobetalipoproteinemia. Identifiers: MedGen C4551990, MONDO:0014252, OMIM 615558.
Hypercholesterolemia, autosomal dominant, type B (FHCL2). Also called: Hyperlipoproteinemia Type IIb; Familial hypercholesterolemia 2; Familial Hypercholesterolemia Type B; APOLIPOPROTEIN B-100, FAMILIAL DEFECTIVE; APOLIPOPROTEIN B-100, FAMILIAL LIGAND-DEFECTIVE; HYPERCHOLESTEROLEMIA, FAMILIAL, DUE TO LIGAND-DEFECTIVE APOLIPOPROTEIN B. Identifiers: MedGen C1704417, MONDO:0007751, OMIM 144010.
Cardiovascular phenotype. Identifiers: MedGen CN230736.

Allele frequency attached by ClinVar (database versions not stated): TOPMed below 0.00001; gnomAD exomes below 0.00001.
gnomAD v4.1: 1 of 1,614,210 alleles (0.000062%); highest among the groups gnomAD compares: Non-Finnish European, 0.000085%; no homozygotes.

Submissions (2):

Ambry Genetics
Classification: Uncertain significance for Cardiovascular phenotype. Last evaluated: 2025-07-21. Review status: criteria provided, single submitter. Criteria: Ambry Variant Classification Scheme 2023. Collection method: clinical testing. Allele origin: germline.
Comment: The p.S1332F variant (also known as c.3995C>T), located in coding exon 25 of the APOB gene, results from a C to T substitution at nucleotide position 3995. The serine at codon 1332 is replaced by phenylalanine, an amino acid with highly dissimilar properties. This amino acid position is conserved. In addition, this alteration is predicted to be tolerated by in silico analysis. Since supporting evidence is limited at this time, the clinical significance of this alteration remains unclear.

Labcorp Genetics (formerly Invitae), Labcorp
Classification: Likely benign for Familial hypobetalipoproteinemia 1; Hypercholesterolemia, autosomal dominant, type B. Last evaluated: 2024-11-18. Review status: criteria provided, single submitter. Criteria: Invitae Variant Classification Sherloc (09022015). Collection method: clinical testing. Allele origin: germline.

NM_000384.3(APOB):c.3995C>T (p.Ser1332Phe)

Gene: APOB (apolipoprotein B; minus strand). Cytogenetic location: 2p24.1.
Variant type: single nucleotide variant.
Coding change: c.3995C>T on transcript NM_000384.3 (MANE Select); coding-DNA position 3995, C replaced by T.
Protein change: p.Ser1332Phe; replaces serine 1332 with phenylalanine.
Molecular consequence: missense variant.
Genome position (GRCh38, 1-based): chr2:21,013,381, G>A on the plus strand (C>T on the coding strand, the complement: APOB is on the minus strand). VCF-style: chr2-21013381-G-A. GRCh37 (hg19) VCF-style: chr2-21236253-G-A.
Other names: short protein forms S1332F.
Identifiers: ClinVar variation 1736791 (VCV001736791.6), dbSNP rs1273422008, ClinGen allele CA346007833.